The following is an entry in ClinVar:

ClinVar aggregate classification (germline): Likely pathogenic (1 of 4 stars; one submission).

Conditions:
Dilated cardiomyopathy 1G (CMD1G). Identifiers: Orphanet 154, MedGen C1858763, MONDO:0011400, OMIM 604145.
Autosomal recessive limb-girdle muscular dystrophy type 2J (LGMDR10). Also called: Limb-girdle muscular dystrophy, type 2J; MUSCULAR DYSTROPHY, LIMB-GIRDLE, AUTOSOMAL RECESSIVE 10. Identifiers: Orphanet 140922, MedGen C1837342, MONDO:0012127, OMIM 608807.

Allele frequency attached by ClinVar (database versions not stated): TOPMed below 0.00001.

Submission:

Labcorp Genetics (formerly Invitae), Labcorp
Classification: Likely pathogenic for Dilated cardiomyopathy 1G; Autosomal recessive limb-girdle muscular dystrophy type 2J. Last evaluated: 2025-06-03. Review status: criteria provided, single submitter. Criteria: Invitae Variant Classification Sherloc (09022015). Collection method: clinical testing. Allele origin: germline.
Comment: This sequence change affects a donor splice site in intron 127 of the TTN gene. It is expected to disrupt RNA splicing and likely results in a truncated or disrupted TTN protein. This variant is not present in population databases (gnomAD no frequency). This variant has not been observed in the literature in individuals with autosomal recessive TTN-related conditions. This variant has been reported in individual(s) with autosomal dominant dilated cardiomyopathy (internal data); however, the role of the variant in this condition is currently unclear. ClinVar contains an entry for this variant (Variation ID: 646549). Algorithms developed to predict the effect of sequence changes on RNA splicing suggest that this variant may disrupt the consensus splice site. This variant is located in the I band of TTN (PMID: 25589632). Truncating variants in this region have been reported in individuals affected with autosomal recessive centronuclear myopathy (PMID: 23975875, internal data). Truncating variants in this region have also been identified in individuals affected with autosomal dominant dilated cardiomyopathy and/or cardio-related conditions (PMID: 27869827, 32964742, internal data). In summary, the currently available evidence indicates that the variant is pathogenic, but additional data are needed to prove that conclusively. Therefore, this variant has been classified as Likely Pathogenic.

Literature cited by the submitters: PubMed 25589632; PubMed 23975875; PubMed 27869827; PubMed 32964742.

NM_001267550.2(TTN):c.32311+1G>T

Gene: TTN (titin; minus strand). Cytogenetic location: 2q31.2.
Variant type: single nucleotide variant.
Coding change: c.32311+1G>T on transcript NM_001267550.2 (MANE Select); the canonical splice donor site of the intron after coding-DNA position 32311, G replaced by T.
Molecular consequence: splice donor variant. On other transcripts: intron variant (3).
Genome position (GRCh38, 1-based): chr2:178,688,110, C>A on the plus strand (G>T on the coding strand, the complement: TTN is on the minus strand). VCF-style: chr2-178688110-C-A. GRCh37 (hg19) VCF-style: chr2-179552837-C-A.
Other names: c.13283-45793G>T (NM_003319.4); c.13859-45793G>T (NM_133437.4); c.13658-45793G>T (NM_133432.3); c.28579+1G>T (NM_133378.4); c.31360+1G>T (NM_001256850.1).
Identifiers: ClinVar variation 646549 (VCV000646549.9), dbSNP rs1577433734, ClinGen allele CA349551135.